The following is an entry in ClinVar:

ClinVar aggregate classification (germline): Likely benign. Review status: criteria provided, multiple submitters, no conflicts (2 of 4 stars). 5 submissions from 5 submitters: Likely benign (4). 1 of the submissions does not count toward it. Last evaluated 2026-01-26.

Conditions:
CDH23-related disorder. Also called: CDH23-related disorders; CDH23-related condition.

Allele frequency attached by ClinVar (database versions not stated): gnomAD 0.00001 and 0.00003; TOPMed 0.00004; ESP Exome Variant Server 0.00008; gnomAD exomes 0.00008; ExAC 0.00016.
gnomAD v4.1: 79 of 1,593,110 alleles (0.005%); highest among the groups gnomAD compares: Middle Eastern, 0.38%; 1 homozygote.

Submissions (5):

Labcorp Genetics (formerly Invitae), Labcorp
Classification: Likely benign. Last evaluated: 2026-01-26. Review status: criteria provided, single submitter. Criteria: Invitae Variant Classification Sherloc (09022015). Collection method: clinical testing. Allele origin: germline.

Blueprint Genetics
Classification: Likely benign. Last evaluated: 2024-11-20. Review status: criteria provided, single submitter. Criteria: ACMG Guidelines, 2015. Collection method: clinical testing. Allele origin: germline.

CeGaT Center for Human Genetics Tuebingen
Classification: Likely benign. Last evaluated: 2022-12-01. Review status: criteria provided, single submitter. Criteria: CeGaT Center For Human Genetics Tuebingen Variant Classification Criteria Version 2. Collection method: clinical testing. Allele origin: germline. Affected: yes. Observed: 1 variant allele.
Comment: CDH23: BP4, BP7

Laboratory for Molecular Medicine, Mass General Brigham Personalized Medicine
Classification: Likely benign. Last evaluated: 2016-05-23. Review status: criteria provided, single submitter. Criteria: LMM Criteria. Collection method: clinical testing. Allele origin: germline. Observed: 3 variant alleles.
Comment: p.Ala565Ala in exon 16 of CDH23: This variant is not expected to have clinical s ignificance because it does not alter an amino acid residue, is not located with in the splice consensus sequence, and has been identified in 8/27770 European ch romosomes by the Exome Aggregation Consortium (ExAC. org; dbSNP rs372380590).

PreventionGenetics, part of Exact Sciences
Classification: Likely benign for CDH23-related condition. Last evaluated: 2023-08-14. Review status: no assertion criteria provided. Collection method: clinical testing. Allele origin: germline. Not counted in ClinVar's aggregate classification.
Comment: This variant is classified as likely benign based on ACMG/AMP sequence variant interpretation guidelines (Richards et al. 2015 PMID: 25741868, with internal and published modifications).

NM_022124.6(CDH23):c.1695C>G (p.Ala565=)

Gene: CDH23 (cadherin related 23; plus strand). Cytogenetic location: 10q22.1.
Variant type: single nucleotide variant.
Coding change: c.1695C>G on transcript NM_022124.6 (MANE Select); coding-DNA position 1695, C replaced by G.
Protein change: p.Ala565=; no amino-acid change (alanine 565 retained).
Molecular consequence: synonymous variant.
Genome position (GRCh38, 1-based): chr10:71,677,636, C>G. VCF-style: chr10-71677636-C-G. GRCh37 (hg19) VCF-style: chr10-73437393-C-G.
Other names: c.1695C>G, p.Ala565= (NM_001171930.2, NM_001171931.2).
Identifiers: ClinVar variation 504553 (VCV000504553.35), dbSNP rs372380590, ClinGen allele CA5543927.